The following is an entry in ClinVar:

NM_001122630.2(CDKN1C):c.881G>T (p.Gly294Val)

Gene: CDKN1C (cyclin dependent kinase inhibitor 1C; minus strand). Cytogenetic location: 11p15.4.
Variant type: single nucleotide variant.
Coding change: c.881G>T on transcript NM_001122630.2 (MANE Select); coding-DNA position 881, G replaced by T.
Protein change: p.Gly294Val; replaces glycine 294 with valine.
Molecular consequence: missense variant.
Genome position (GRCh38, 1-based): chr11:2,884,041, C>A on the plus strand (G>T on the coding strand, the complement: CDKN1C is on the minus strand). VCF-style: chr11-2884041-C-A. GRCh37 (hg19) VCF-style: chr11-2905271-C-A.
Other names: c.914G>T, p.Gly305Val (NM_000076.2, NM_001362474.2); c.881G>T, p.Gly294Val (NM_001122631.2); c.349G>T, p.Ala117Ser (NM_001362475.2); short protein forms G294V, A117S, G305V.
Identifiers: ClinVar variation 936076 (VCV000936076.7), dbSNP rs962524119, ClinGen allele CA216366903.

ClinVar aggregate classification (germline): Uncertain significance (1 of 4 stars; one submission).

Conditions:
Beckwith-Wiedemann syndrome (BWS). Also called: Exomphalos macroglossia gigantism syndrome; EMG SYNDROME. Identifiers: Orphanet 116, MedGen C0004903, MONDO:0007534, OMIM 130650.

Allele frequency attached by ClinVar (database versions not stated): gnomAD 0.00001; TOPMed 0.00001.

Submission:

Labcorp Genetics (formerly Invitae), Labcorp
Classification: Uncertain significance for Beckwith-Wiedemann syndrome. Last evaluated: 2025-10-26. Review status: criteria provided, single submitter. Criteria: Invitae Variant Classification Sherloc (09022015). Collection method: clinical testing. Allele origin: germline.
Comment: This sequence change replaces glycine, which is neutral and non-polar, with valine, which is neutral and non-polar, at codon 305 of the CDKN1C protein (p.Gly305Val). This variant is present in population databases (no rsID available, gnomAD 0.007%). This variant has not been reported in the literature in individuals affected with CDKN1C-related conditions. ClinVar contains an entry for this variant (Variation ID: 936076). Invitae Evidence Modeling of protein sequence and biophysical properties (such as structural, functional, and spatial information, amino acid conservation, physicochemical variation, residue mobility, and thermodynamic stability) indicates that this missense variant is not expected to disrupt CDKN1C protein function with a negative predictive value of 80%. In summary, the available evidence is currently insufficient to determine the role of this variant in disease. Therefore, it has been classified as a Variant of Uncertain Significance.